The following is an entry in ClinVar:

ClinVar aggregate classification (germline): Pathogenic. Review status: criteria provided, multiple submitters, no conflicts (2 of 4 stars). 5 submissions from 5 submitters: Pathogenic (5). Last evaluated 2025-07-09.

Conditions:
Hereditary cancer-predisposing syndrome. Also called: Neoplastic Syndromes, Hereditary; Hereditary neoplastic syndrome; Hereditary Cancer Syndrome; Tumor predisposition. Identifiers: Orphanet 140162, MedGen C0027672, MeSH D009386, MONDO:0015356.
Cardiovascular phenotype. Identifiers: MedGen CN230736.
Neurofibromatosis, type 1 (NF1). Also called: Neurofibromatosis, type I; VON RECKLINGHAUSEN DISEASE; NEUROFIBROMATOSIS, TYPE I, SOMATIC; Peripheral type neurofibromatosis. Identifiers: Orphanet 636, MedGen C0027831, MONDO:0018975, OMIM 162200. Disease mechanism: loss of function.

Submissions (5):

Labcorp Genetics (formerly Invitae), Labcorp
Classification: Pathogenic for Neurofibromatosis, type 1. Last evaluated: 2025-07-09. Review status: criteria provided, single submitter. Criteria: Invitae Variant Classification Sherloc (09022015). Collection method: clinical testing. Allele origin: germline.
Comment: This sequence change creates a premature translational stop signal (p.Trp2348*) in the NF1 gene. It is expected to result in an absent or disrupted protein product. Loss-of-function variants in NF1 are known to be pathogenic (PMID: 10712197, 23913538). This variant is not present in population databases (gnomAD no frequency). This variant has not been reported in the literature in individuals affected with NF1-related conditions. Invitae Evidence Modeling of clinical and family history, age, sex, and reported ancestry of multiple individuals with this NF1 variant has been performed. This variant is expected to be pathogenic with a positive predictive value of at least 99%. This is a validated machine learning model that incorporates the clinical features of 1,785,918 individuals referred to our laboratory for NF1 testing. ClinVar contains an entry for this variant (Variation ID: 996432). For these reasons, this variant has been classified as Pathogenic.

Ambry Genetics
Classification: Pathogenic for Cardiovascular phenotype; Hereditary cancer-predisposing syndrome. Last evaluated: 2025-04-01. Review status: criteria provided, single submitter. Criteria: Ambry Variant Classification Scheme 2023. Collection method: clinical testing. Allele origin: germline.
Comment: The p.W2348* pathogenic mutation (also known as c.7043G>A), located in coding exon 47 of the NF1 gene, results from a G to A substitution at nucleotide position 7043. This changes the amino acid from a tryptophan to a stop codon within coding exon 47. This variant was reported in individual(s) with features consistent with neurofibromatosis type 1 (Ambry internal data). This variant is considered to be rare based on population cohorts in the Genome Aggregation Database (gnomAD). This alteration is expected to result in loss of function by premature protein truncation or nonsense-mediated mRNA decay. As such, this alteration is interpreted as a disease-causing mutation.

GeneDx
Classification: Pathogenic. Last evaluated: 2024-05-30. Review status: criteria provided, single submitter. Criteria: GeneDx Variant Classification Process June 2021. Collection method: clinical testing. Allele origin: germline. Affected: yes.
Comment: Nonsense variant predicted to result in protein truncation or nonsense mediated decay in a gene for which loss of function is a known mechanism of disease; Not observed at significant frequency in large population cohorts (gnomAD); This variant is associated with the following publications: (PMID: 36251260)

Genome-Nilou Lab
Classification: Pathogenic for Neurofibromatosis, type 1. Last evaluated: 2022-03-15. Review status: criteria provided, single submitter. Criteria: ACMG Guidelines, 2015. Collection method: clinical testing. Allele origin: germline. Affected: no.

Genome Diagnostics Laboratory, The Hospital for Sick Children
Classification: Pathogenic for Neurofibromatosis, type 1. Last evaluated: 2020-10-26. Review status: criteria provided, single submitter. Criteria: ACMG Guidelines, 2015. Collection method: clinical testing. Allele origin: germline. Affected: yes.

Literature cited by the submitters: PubMed 10712197 (cited by Labcorp Genetics (formerly Invitae), Labcorp); PubMed 23913538 (cited by Labcorp Genetics (formerly Invitae), Labcorp).

NM_001042492.3(NF1):c.7106G>A (p.Trp2369Ter)

Gene: NF1 (neurofibromin 1; plus strand). Cytogenetic location: 17q11.2.
Variant type: single nucleotide variant.
Coding change: c.7106G>A on transcript NM_001042492.3 (MANE Select); coding-DNA position 7106, G replaced by A.
Protein change: p.Trp2369Ter; replaces tryptophan 2369 with a stop codon.
Molecular consequence: nonsense.
Genome position (GRCh38, 1-based): chr17:31,343,052, G>A. VCF-style: chr17-31343052-G-A. GRCh37 (hg19) VCF-style: chr17-29670070-G-A.
Other names: c.7043G>A, p.Trp2348Ter (NM_000267.4); short protein forms W2348*, W2369*.
Identifiers: ClinVar variation 996432 (VCV000996432.11), dbSNP rs2069867116, ClinGen allele CA399015597.